The following is an entry in ClinVar:

ClinVar aggregate classification (germline): Likely pathogenic (1 of 4 stars; one submission).

Conditions:
Oculodentodigital dysplasia, autosomal recessive. Also called: OCULODENTOOSSEOUS DYSPLASIA, AUTOSOMAL RECESSIVE; ODDD, AUTOSOMAL RECESSIVE; ODOD, AUTOSOMAL RECESSIVE. Identifiers: Orphanet 2710, MedGen C2749477, MONDO:0009768, OMIM 257850.

Submission:

Labcorp Genetics (formerly Invitae), Labcorp
Classification: Likely pathogenic for Oculodentodigital dysplasia, autosomal recessive. Last evaluated: 2023-11-29. Review status: criteria provided, single submitter. Criteria: Invitae Variant Classification Sherloc (09022015). Collection method: clinical testing. Allele origin: germline.
Comment: This sequence change replaces arginine, which is basic and polar, with cysteine, which is neutral and slightly polar, at codon 76 of the GJA1 protein (p.Arg76Cys). This variant is not present in population databases (gnomAD no frequency). This missense change has been observed in individual(s) with autosomal dominant oculodentodigital dysplasia (PMID: 24115525). In at least one individual the variant was observed to be de novo. Advanced modeling of protein sequence and biophysical properties (such as structural, functional, and spatial information, amino acid conservation, physicochemical variation, residue mobility, and thermodynamic stability) performed at Invitae indicates that this missense variant is expected to disrupt GJA1 protein function with a positive predictive value of 80%. This variant disrupts the p.Arg76 amino acid residue in GJA1. Other variant(s) that disrupt this residue have been observed in individuals with GJA1-related conditions (PMID: 12457340), which suggests that this may be a clinically significant amino acid residue. In summary, the currently available evidence indicates that the variant is pathogenic, but additional data are needed to prove that conclusively. Therefore, this variant has been classified as Likely Pathogenic.

Literature cited by the submitters: PubMed 24115525; PubMed 12457340.

NM_000165.5(GJA1):c.226C>T (p.Arg76Cys)

Gene: GJA1 (gap junction protein alpha 1; plus strand). Cytogenetic location: 6q22.31.
Variant type: single nucleotide variant.
Coding change: c.226C>T on transcript NM_000165.5 (MANE Select); coding-DNA position 226, C replaced by T.
Protein change: p.Arg76Cys; replaces arginine 76 with cysteine.
Molecular consequence: missense variant.
Genome position (GRCh38, 1-based): chr6:121,447,073, C>T. VCF-style: chr6-121447073-C-T. GRCh37 (hg19) VCF-style: chr6-121768219-C-T.
Other names: short protein forms R76C.
Identifiers: ClinVar variation 2734939 (VCV002734939.3), dbSNP rs267606845, ClinGen allele CA365558314.